The following is an entry in ClinVar:

NM_007375.4(TARDBP):c.238+9C>T

Gene: TARDBP (TAR DNA binding protein; plus strand). Cytogenetic location: 1p36.22.
Variant type: single nucleotide variant.
Coding change: c.238+9C>T on transcript NM_007375.4 (MANE Select); 9 bases into the intron after coding-DNA position 238, C replaced by T.
Molecular consequence: intron variant.
Genome position (GRCh38, 1-based): chr1:11,013,974, C>T. VCF-style: chr1-11013974-C-T. GRCh37 (hg19) VCF-style: chr1-11074031-C-T.
Identifiers: ClinVar variation 291735 (VCV000291735.16), dbSNP rs376560308, ClinGen allele CA586320.

ClinVar aggregate classification (germline): Benign. Review status: criteria provided, multiple submitters, no conflicts (2 of 4 stars). 4 submissions from 4 submitters: Benign (4). Last evaluated 2025-10-17.

Conditions:
Amyotrophic lateral sclerosis type 10 (ALS10). Also called: AMYOTROPHIC LATERAL SCLEROSIS 10 WITHOUT FRONTOTEMPORAL DEMENTIA AND WITH TDP43 INCLUSIONS; AMYOTROPHIC LATERAL SCLEROSIS 10 WITH OR WITHOUT FRONTOTEMPORAL DEMENTIA AND WITH TDP43 INCLUSIONS; AMYOTROPHIC LATERAL SCLEROSIS 10 WITH OR WITHOUT FRONTOTEMPORAL DEMENTIA; TARDBP-Related Amyotrophic Lateral Sclerosis-Frontotemporal Dementia; Amyotrophic lateral sclerosis 10, with or without FTD. Identifiers: Orphanet 275872, Orphanet 803, MedGen C2677565, MONDO:0012790, OMIM 612069.
FRONTOTEMPORAL LOBAR DEGENERATION WITH TDP43 INCLUSIONS, TARDBP-RELATED. Also called: Frontotemporal lobar degeneration, TARDBP-related. Identifiers: MedGen C3150169, OMIM 612069.

Allele frequency attached by ClinVar (database versions not stated): gnomAD 0.00002 and 0.00026; TOPMed 0.00006; 1000 Genomes Project 30x 0.00187; 1000 Genomes Project 0.00240.
gnomAD v4.1: 696 of 1,613,806 alleles (0.043%); highest among the groups gnomAD compares: South Asian, 0.69%; 7 homozygotes.

Submissions (4):

Labcorp Genetics (formerly Invitae), Labcorp
Classification: Benign for Amyotrophic lateral sclerosis type 10; FRONTOTEMPORAL LOBAR DEGENERATION WITH TDP43 INCLUSIONS, TARDBP-RELATED. Last evaluated: 2025-10-17. Review status: criteria provided, single submitter. Criteria: Invitae Variant Classification Sherloc (09022015). Collection method: clinical testing. Allele origin: germline.

Athena Diagnostics
Classification: Benign. Last evaluated: 2019-05-28. Review status: criteria provided, single submitter. Criteria: Athena Diagnostics Criteria. Collection method: clinical testing. Allele origin: germline.

Illumina Laboratory Services, Illumina
Classification: Benign for Amyotrophic lateral sclerosis type 10. Last evaluated: 2018-01-13. Review status: criteria provided, single submitter. Criteria: ICSL Variant Classification Criteria 13 December 2019. Collection method: clinical testing. Allele origin: germline.
Comment: This variant was observed in the ICSL laboratory as part of a predisposition screen in an ostensibly healthy population. It had not been previously curated by ICSL or reported in the Human Gene Mutation Database (HGMD: prior to June 1st, 2018), and was therefore a candidate for classification through an automated scoring system. Utilizing variant allele frequency, disease prevalence and penetrance estimates, and inheritance mode, an automated score was calculated to assess if this variant is too frequent to cause the disease. Based on the score and internal cut-off values, a variant classified as benign is not then subjected to further curation. The score for this variant resulted in a classification of benign for this disease.

Breakthrough Genomics
Classification: Benign. Review status: criteria provided, single submitter. Criteria: ACMG Guidelines, 2015. Collection method: not provided. Allele origin: germline. Inheritance: Autosomal dominant inheritance. Affected: yes.